The following is an entry in ClinVar:

ClinVar aggregate classification (germline): Benign/Likely benign. Review status: criteria provided, multiple submitters, no conflicts (2 of 4 stars). 12 submissions from 12 submitters: Benign (5); Likely benign (4). 3 of the submissions do not count toward it. Last evaluated 2026-09-01.

Conditions:
ZNF469-related disorder. Also called: ZNF469-related condition.
Cardiovascular phenotype. Identifiers: MedGen CN230736.
Brittle cornea syndrome 1 (BCS1). Also called: DYSGENESIS MESODERMALIS CORNEAE ET SCLERAE; Corneal fragility keratoglobus, blue sclerae AND joint hypermobility; CORNEAL FRAGILITY, KERATOGLOBUS, BLUE SCLERAE, JOINT HYPEREXTENSIBILITY; EDS6B; FRAGILITAS OCULI WITH JOINT HYPEREXTENSIBILITY. Identifiers: Orphanet 90354, MedGen C0268344, MONDO:0024543, OMIM 229200.
Ehlers-Danlos syndrome (EDS). Identifiers: Orphanet 98249, MedGen C0013720, MONDO:0020066.

Allele frequency attached by ClinVar (database versions not stated): 1000 Genomes Project 30x 0.00125; ExAC 0.00132; 1000 Genomes Project 0.00140; gnomAD exomes 0.00250 and 0.00451; TOPMed 0.00276; gnomAD 0.00311 and 0.00320.

Submissions (12):

CeGaT Center for Human Genetics Tuebingen
Classification: Likely benign. Last evaluated: 2026-09-01. Review status: criteria provided, single submitter. Criteria: CeGaT Center For Human Genetics Tuebingen Variant Classification Criteria Version 2. Collection method: clinical testing. Allele origin: germline. Affected: yes. Observed: 18 variant alleles.
Comment: ZNF469: BP4, BP7, BS2

Labcorp Genetics (formerly Invitae), Labcorp
Classification: Benign. Last evaluated: 2026-02-04. Review status: criteria provided, single submitter. Criteria: Invitae Variant Classification Sherloc (09022015). Collection method: clinical testing. Allele origin: germline.

Women's Health and Genetics/Laboratory Corporation of America, LabCorp
Classification: Benign. Last evaluated: 2024-11-27. Review status: criteria provided, single submitter. Criteria: LabCorp Variant Classification Summary - May 2015. Collection method: clinical testing. Allele origin: germline.

Blueprint Genetics
Classification: Likely benign. Last evaluated: 2024-11-25. Review status: criteria provided, single submitter. Criteria: ACMG Guidelines, 2015. Collection method: clinical testing. Allele origin: germline.

Mayo Clinic Laboratories, Mayo Clinic
Classification: Benign. Last evaluated: 2024-06-25. Review status: criteria provided, single submitter. Criteria: ACMG Guidelines, 2015. Collection method: clinical testing. Allele origin: germline. Observed: 28 variant alleles.
Comment: BS1, BS2, BP4, BP7

Genome Diagnostics Laboratory, The Hospital for Sick Children
Classification: Benign for Ehlers-Danlos syndrome. Last evaluated: 2022-01-31. Review status: criteria provided, single submitter. Criteria: ACMG Guidelines, 2015. Collection method: clinical testing. Allele origin: germline.

Genome-Nilou Lab
Classification: Benign for Brittle cornea syndrome 1. Last evaluated: 2021-12-05. Review status: criteria provided, single submitter. Criteria: ACMG Guidelines, 2015. Collection method: clinical testing. Allele origin: germline. Affected: no.

Ambry Genetics
Classification: Likely benign for Cardiovascular phenotype. Last evaluated: 2019-03-22. Review status: criteria provided, single submitter. Criteria: Ambry Variant Classification Scheme 2023. Collection method: clinical testing. Allele origin: germline.

GeneDx
Classification: Likely benign. Last evaluated: 2017-11-09. Review status: criteria provided, single submitter. Criteria: GeneDx Variant Classification (06012015). Collection method: clinical testing. Allele origin: germline. Affected: yes.
Comment: This variant is considered likely benign or benign based on one or more of the following criteria: it is a conservative change, it occurs at a poorly conserved position in the protein, it is predicted to be benign by multiple in silico algorithms, and/or has population frequency not consistent with disease.

PreventionGenetics, part of Exact Sciences
Classification: Likely benign for ZNF469-related condition. Last evaluated: 2020-09-18. Review status: no assertion criteria provided. Collection method: clinical testing. Allele origin: germline. Not counted in ClinVar's aggregate classification.
Comment: This variant is classified as likely benign based on ACMG/AMP sequence variant interpretation guidelines (Richards et al. 2015 PMID: 25741868, with internal and published modifications).

Clinical Genetics DNA and cytogenetics Diagnostics Lab, Erasmus MC, Erasmus Medical Center
Classification: Likely benign. Review status: no assertion criteria provided. Collection method: clinical testing. Allele origin: germline. Affected: yes. Study: VKGL Data-share Consensus. Not counted in ClinVar's aggregate classification.

Genome Diagnostics Laboratory, Amsterdam University Medical Center
Classification: Likely benign. Review status: no assertion criteria provided. Collection method: clinical testing. Allele origin: germline. Affected: yes. Study: VKGL Data-share Consensus. Not counted in ClinVar's aggregate classification.

NM_001367624.2(ZNF469):c.6489G>A (p.Gln2163=)

Gene: ZNF469 (zinc finger protein 469; plus strand). Cytogenetic location: 16q24.2.
Variant type: single nucleotide variant.
Coding change: c.6489G>A on transcript NM_001367624.2 (MANE Select); coding-DNA position 6489, G replaced by A.
Protein change: p.Gln2163=; no amino-acid change (glutamine 2163 retained).
Molecular consequence: synonymous variant.
Genome position (GRCh38, 1-based): chr16:88,433,959, G>A. VCF-style: chr16-88433959-G-A. GRCh37 (hg19) VCF-style: chr16-88500367-G-A.
Other names: NM_001127464.1:c.6405G>A; NM_001127464.2:c.6405G>A; p.Gln2163=.
Identifiers: ClinVar variation 389579 (VCV000389579.57), dbSNP rs572299080, ClinGen allele CA8225162.